The following is an entry in ClinVar:

ClinVar aggregate classification (germline): Uncertain significance (1 of 4 stars; one submission).

Allele frequency attached by ClinVar (database versions not stated): gnomAD 0.00001; TOPMed 0.00001.
gnomAD v4.1: 3 of 1,614,010 alleles (0.00019%); highest among the groups gnomAD compares: Non-Finnish European, 0.00025%; no homozygotes.

Submission:

Labcorp Genetics (formerly Invitae), Labcorp
Classification: Uncertain significance. Last evaluated: 2022-07-21. Review status: criteria provided, single submitter. Criteria: Invitae Variant Classification Sherloc (09022015). Collection method: clinical testing. Allele origin: germline.
Comment: In summary, the available evidence is currently insufficient to determine the role of this variant in disease. Therefore, it has been classified as a Variant of Uncertain Significance. Algorithms developed to predict the effect of missense changes on protein structure and function are either unavailable or do not agree on the potential impact of this missense change (SIFT: "Not Available"; PolyPhen-2: "Benign"; Align-GVGD: "Not Available"). This variant has not been reported in the literature in individuals affected with ADAMTS18-related conditions. This variant is not present in population databases (gnomAD no frequency). This sequence change replaces leucine, which is neutral and non-polar, with isoleucine, which is neutral and non-polar, at codon 534 of the ADAMTS18 protein (p.Leu534Ile).

NM_199355.4(ADAMTS18):c.1600C>A (p.Leu534Ile)

Gene: ADAMTS18 (ADAM metallopeptidase with thrombospondin type 1 motif 18; minus strand). Cytogenetic location: 16q23.1.
Variant type: single nucleotide variant.
Coding change: c.1600C>A on transcript NM_199355.4 (MANE Select); coding-DNA position 1600, C replaced by A.
Protein change: p.Leu534Ile; replaces leucine 534 with isoleucine.
Molecular consequence: missense variant.
Genome position (GRCh38, 1-based): chr16:77,353,747, G>T on the plus strand (C>A on the coding strand, the complement: ADAMTS18 is on the minus strand). VCF-style: chr16-77353747-G-T. GRCh37 (hg19) VCF-style: chr16-77387644-G-T.
Other names: c.1084C>A, p.Leu362Ile (NM_001326358.2); short protein forms L362I, L534I.
Identifiers: ClinVar variation 1923281 (VCV001923281.5), dbSNP rs1327578130, ClinGen allele CA396834374.